The following is an entry in ClinVar:

ClinVar aggregate classification (germline): not provided (0 of 4 stars; one submission).

Allele frequency attached by ClinVar (database versions not stated): gnomAD 0.00009 and 0.00010; TOPMed 0.00016.
gnomAD v4.1: 112 of 1,613,732 alleles (0.0069%); highest among the groups gnomAD compares: East Asian, 0.17%; no homozygotes.

Submission:

Human Evolutionary Genetics, Institut Pasteur
No classification provided. Review status: no classification provided. Collection method: not provided. Allele origin: germline.
ClinVar note: Converted during submission from untested to not provided.

NM_001282144.2(NLRX1):c.2528C>T (p.Ala843Val)

Gene: NLRX1 (NLR family member X1; plus strand). Cytogenetic location: 11q23.3.
Variant type: single nucleotide variant.
Coding change: c.2528C>T on transcript NM_001282144.2 (MANE Select); coding-DNA position 2528, C replaced by T.
Protein change: p.Ala843Val; replaces alanine 843 with valine.
Molecular consequence: missense variant.
Genome position (GRCh38, 1-based): chr11:119,182,267, C>T. VCF-style: chr11-119182267-C-T. GRCh37 (hg19) VCF-style: chr11-119052976-C-T.
Other names: c.2528C>T, p.Ala843Val (NM_001282143.2, NM_001282358.2, NM_024618.4); short protein forms A843V.
Identifiers: ClinVar variation 103143 (VCV000103143.2), dbSNP rs199476052, ClinGen allele CA230179.